The following is an entry in ClinVar:

NM_030662.4(MAP2K2):c.168C>T (p.Ala56=)

Gene: MAP2K2 (mitogen-activated protein kinase kinase 2; minus strand). Cytogenetic location: 19p13.3.
Variant type: single nucleotide variant.
Coding change: c.168C>T on transcript NM_030662.4 (MANE Select); coding-DNA position 168, C replaced by T.
Protein change: p.Ala56=; no amino-acid change (alanine 56 retained).
Molecular consequence: synonymous variant.
Genome position (GRCh38, 1-based): chr19:4,117,554, G>A on the plus strand (C>T on the coding strand, the complement: MAP2K2 is on the minus strand). VCF-style: chr19-4117554-G-A. GRCh37 (hg19) VCF-style: chr19-4117552-G-A.
Identifiers: ClinVar variation 513563 (VCV000513563.6), dbSNP rs147814905, ClinGen allele CA304456622.

ClinVar aggregate classification (germline): Likely benign. Review status: criteria provided, multiple submitters, no conflicts (2 of 4 stars). 3 submissions from 3 submitters: Likely benign (3). Last evaluated 2025-11-02.

Conditions:
Cardiovascular phenotype. Identifiers: MedGen CN230736.
RASopathy. Also called: Noonan spectrum disorder; rasopathies. Identifiers: Orphanet 536391, MedGen C5555857, MONDO:0021060.

Allele frequency attached by ClinVar (database versions not stated): gnomAD exomes below 0.00001; gnomAD 0.00001; TOPMed 0.00001; ESP Exome Variant Server 0.00008.
gnomAD v4.1: 2 of 1,614,036 alleles (0.00012%); highest among the groups gnomAD compares: African/African-American, 0.0027%; no homozygotes.

Submissions (3):

Ambry Genetics
Classification: Likely benign for Cardiovascular phenotype. Last evaluated: 2025-11-02. Review status: criteria provided, single submitter. Criteria: Ambry Variant Classification Scheme 2023. Collection method: clinical testing. Allele origin: germline.

Labcorp Genetics (formerly Invitae), Labcorp
Classification: Likely benign for RASopathy. Last evaluated: 2025-07-30. Review status: criteria provided, single submitter. Criteria: Invitae Variant Classification Sherloc (09022015). Collection method: clinical testing. Allele origin: germline.

GeneDx
Classification: Likely benign. Last evaluated: 2017-11-24. Review status: criteria provided, single submitter. Criteria: GeneDx Variant Classification (06012015). Collection method: clinical testing. Allele origin: germline. Affected: yes.
Comment: This variant is considered likely benign or benign based on one or more of the following criteria: it is a conservative change, it occurs at a poorly conserved position in the protein, it is predicted to be benign by multiple in silico algorithms, and/or has population frequency not consistent with disease.